The following is an entry in ClinVar:

ClinVar aggregate classification (germline): Conflicting classifications of pathogenicity. Review status: criteria provided, conflicting classifications (1 of 4 stars). 3 submissions from 3 submitters: Uncertain significance (1); Likely benign (2). Last evaluated 2025-08-07.

Conditions:
Inborn genetic diseases. Identifiers: MedGen C0950123, MeSH D030342.

Allele frequency attached by ClinVar (database versions not stated): TOPMed 0.00009; gnomAD 0.00009; ExAC 0.00013; gnomAD exomes 0.00006.
gnomAD v4.1: 70 of 1,179,675 alleles (0.0059%); highest among the groups gnomAD compares: Middle Eastern, 0.046%; no homozygotes.

Submissions (3):

Ambry Genetics
Classification: Likely benign for Inborn genetic diseases. Last evaluated: 2025-08-07. Review status: criteria provided, single submitter. Criteria: Ambry Variant Classification Scheme 2023. Collection method: clinical testing. Allele origin: germline.

Labcorp Genetics (formerly Invitae), Labcorp
Classification: Uncertain significance. Last evaluated: 2025-03-27. Review status: criteria provided, single submitter. Criteria: Invitae Variant Classification Sherloc (09022015). Collection method: clinical testing. Allele origin: germline.
Comment: This sequence change replaces arginine, which is basic and polar, with histidine, which is basic and polar, at codon 354 of the MBTPS2 protein (p.Arg354His). This variant is present in population databases (rs764440472, gnomAD 0.03%). This variant has not been reported in the literature in individuals affected with MBTPS2-related conditions. ClinVar contains an entry for this variant (Variation ID: 2983947). Invitae Evidence Modeling of protein sequence and biophysical properties (such as structural, functional, and spatial information, amino acid conservation, physicochemical variation, residue mobility, and thermodynamic stability) indicates that this missense variant is not expected to disrupt MBTPS2 protein function with a negative predictive value of 95%. In summary, the available evidence is currently insufficient to determine the role of this variant in disease. Therefore, it has been classified as a Variant of Uncertain Significance.

Laboratory of Genetics, Children's Clinical University Hospital Latvia
Classification: Likely benign. Last evaluated: 2025-02-16. Review status: criteria provided, single submitter. Criteria: ACMG Guidelines, 2015. Collection method: clinical testing. Allele origin: germline. Affected: yes.

NM_015884.4(MBTPS2):c.1061G>A (p.Arg354His)

Gene: MBTPS2 (membrane bound transcription factor peptidase, site 2; plus strand). Cytogenetic location: Xp22.12.
Variant type: single nucleotide variant.
Coding change: c.1061G>A on transcript NM_015884.4 (MANE Select); coding-DNA position 1061, G replaced by A.
Protein change: p.Arg354His; replaces arginine 354 with histidine.
Molecular consequence: missense variant.
Genome position (GRCh38, 1-based): chrX:21,878,132, G>A. VCF-style: chrX-21878132-G-A. GRCh37 (hg19) VCF-style: chrX-21896250-G-A.
Other names: c.1061G>A (NM_015884.3); short protein forms R354H.
Identifiers: ClinVar variation 2983947 (VCV002983947.5), dbSNP rs764440472, ClinGen allele CA10367642.